The following is an entry in ClinVar:

ClinVar aggregate classification (germline): Conflicting classifications of pathogenicity. Review status: criteria provided, conflicting classifications (1 of 4 stars). 3 submissions from 3 submitters: Likely pathogenic (2); Uncertain significance (1). Last evaluated 2025-02-19.

Conditions:
Polycystic liver disease 4 with or without kidney cysts. Identifiers: MedGen C4693479, MONDO:0044327, OMIM 617875.
Autosomal dominant osteopetrosis 1 (OPTA1). Also called: OSTEOPETROSIS, AUTOSOMAL DOMINANT, TYPE I. Identifiers: Orphanet 2783, MedGen C1843330, MONDO:0011877, OMIM 607634.
Exudative vitreoretinopathy 4 (EVR4). Identifiers: Orphanet 891, MedGen C1866176, MONDO:0011151, OMIM 601813.
Bone mineral density quantitative trait locus 1 (BMND1). Identifiers: MedGen C1866079, OMIM 601884.
Worth disease. Also called: OSTEOSCLEROSIS, AUTOSOMAL DOMINANT; Autosomal dominant osteosclerosis, Worth type; ENDOSTEAL HYPEROSTOSIS, AUTOSOMAL DOMINANT. Identifiers: Orphanet 2790, MedGen C0432273, MONDO:0007764, OMIM 144750.
Osteoporosis with pseudoglioma (OPPG). Also called: osteoporosis-pseudoglioma syndrome. Identifiers: Orphanet 2788, MedGen C0432252, MONDO:0009820, OMIM 259770.

Allele frequency attached by ClinVar (database versions not stated): gnomAD exomes below 0.00001; gnomAD 0.00001; ExAC 0.00002; TOPMed 0.00003.
gnomAD v4.1: 6 of 1,613,016 alleles (0.00037%); highest among the groups gnomAD compares: Non-Finnish European, 0.00051%; no homozygotes.

Submissions (3):

Labcorp Genetics (formerly Invitae), Labcorp
Classification: Likely pathogenic. Last evaluated: 2025-02-19. Review status: criteria provided, single submitter. Criteria: Invitae Variant Classification Sherloc (09022015). Collection method: clinical testing. Allele origin: germline.
Comment: This sequence change replaces aspartic acid, which is acidic and polar, with glycine, which is neutral and non-polar, at codon 1288 of the LRP5 protein (p.Asp1288Gly). This variant is present in population databases (rs762014835, gnomAD 0.002%). This missense change has been observed in individuals with osteoporosis (PMID: 30283887, 33939331). ClinVar contains an entry for this variant (Variation ID: 2152119). Invitae Evidence Modeling of protein sequence and biophysical properties (such as structural, functional, and spatial information, amino acid conservation, physicochemical variation, residue mobility, and thermodynamic stability) has been performed for this missense variant. However, the output from this modeling did not meet the statistical confidence thresholds required to predict the impact of this variant on LRP5 protein function. In summary, the currently available evidence indicates that the variant is pathogenic, but additional data are needed to prove that conclusively. Therefore, this variant has been classified as Likely Pathogenic.

Fulgent Genetics
Classification: Likely pathogenic for Worth disease; Osteoporosis with pseudoglioma; Exudative vitreoretinopathy 4; Bone mineral density quantitative trait locus 1; Autosomal dominant osteopetrosis 1; Polycystic liver disease 4 with or without kidney cysts. Last evaluated: 2024-03-10. Review status: criteria provided, single submitter. Criteria: ACMG Guidelines, 2015. Collection method: clinical testing. Allele origin: germline.

Blueprint Genetics
Classification: Uncertain significance. Last evaluated: 2019-03-28. Review status: criteria provided, single submitter. Criteria: ACMG Guidelines, 2015. Collection method: clinical testing. Allele origin: germline.

Literature cited by the submitters: PubMed 30283887 (cited by Labcorp Genetics (formerly Invitae), Labcorp); PubMed 33939331 (cited by Labcorp Genetics (formerly Invitae), Labcorp).

NM_002335.4(LRP5):c.3863A>G (p.Asp1288Gly)

Gene: LRP5 (LDL receptor related protein 5; plus strand). Cytogenetic location: 11q13.2.
Variant type: single nucleotide variant.
Coding change: c.3863A>G on transcript NM_002335.4 (MANE Select); coding-DNA position 3863, A replaced by G.
Protein change: p.Asp1288Gly; replaces aspartic acid 1288 with glycine.
Molecular consequence: missense variant.
Genome position (GRCh38, 1-based): chr11:68,433,701, A>G. VCF-style: chr11-68433701-A-G. GRCh37 (hg19) VCF-style: chr11-68201169-A-G.
Other names: c.2120A>G, p.Asp707Gly (NM_001291902.2); short protein forms D707G, D1288G.
Identifiers: ClinVar variation 2152119 (VCV002152119.6), dbSNP rs762014835, ClinGen allele CA6150135.